The following is an entry in ClinVar:

NM_052947.4(ALPK2):c.6501A>T (p.Glu2167Asp)

Gene: ALPK2 (alpha kinase 2; minus strand). Cytogenetic location: 18q21.31.
Variant type: single nucleotide variant.
Coding change: c.6501A>T on transcript NM_052947.4 (MANE Select); coding-DNA position 6501, A replaced by T.
Protein change: p.Glu2167Asp; replaces glutamic acid 2167 with aspartic acid.
Molecular consequence: missense variant.
Genome position (GRCh38, 1-based): chr18:58,481,835, T>A on the plus strand (A>T on the coding strand, the complement: ALPK2 is on the minus strand). VCF-style: chr18-58481835-T-A. GRCh37 (hg19) VCF-style: chr18-56149067-T-A.
Other names: short protein forms E2167D.
Identifiers: ClinVar variation 1753919 (VCV001753919.2), dbSNP rs2051312784, ClinGen allele CA402538136.

ClinVar aggregate classification (germline): Uncertain significance (1 of 4 stars; one submission).

Allele frequency attached by ClinVar (database versions not stated): gnomAD exomes below 0.00001; TOPMed below 0.00001; gnomAD 0.00001.
gnomAD v4.1: 2 of 1,613,846 alleles (0.00012%); highest among the groups gnomAD compares: Non-Finnish European, 0.00017%; no homozygotes.

Submission:

Ambry Genetics
Classification: Uncertain significance. Last evaluated: 2022-08-22. Review status: criteria provided, single submitter. Criteria: Ambry Variant Classification Scheme 2023. Collection method: clinical testing. Allele origin: germline.
Comment: The p.E2167D variant (also known as c.6501A>T), located in coding exon 12 of the ALPK2 gene, results from an A to T substitution at nucleotide position 6501. The glutamic acid at codon 2167 is replaced by aspartic acid, an amino acid with highly similar properties. This amino acid position is conserved. In addition, this alteration is predicted to be tolerated by in silico analysis. Since supporting evidence is limited at this time, the clinical significance of this alteration remains unclear.